The following is an entry in ClinVar:

ClinVar aggregate classification (germline): Likely pathogenic (1 of 4 stars; one submission).

Submission:

GeneDx
Classification: Likely pathogenic. Last evaluated: 2018-02-15. Review status: criteria provided, single submitter. Criteria: GeneDx Variant Classification (06012015). Collection method: clinical testing. Allele origin: germline. Affected: yes.
Comment: The Q672X variant in the UBTF gene has not been reported previously as a pathogenic variant nor as a benign variant, to our knowledge. This variant is predicted to cause loss of normal protein function either through protein truncation or nonsense-mediated mRNA decay. The Q672X variant is not observed in large population cohorts (Lek et al., 2016). We interpret Q672X as a likely pathogenic variant.

NM_014233.4(UBTF):c.2014C>T (p.Gln672Ter)

Genes: ATXN7L3-AS1 (ATXN7L3 antisense RNA 1; plus strand), UBTF (upstream binding transcription factor; minus strand). Cytogenetic location: 17q21.31.
Variant type: single nucleotide variant.
Coding change: c.2014C>T on transcript NM_014233.4 (MANE Select); coding-DNA position 2014, C replaced by T.
Protein change: p.Gln672Ter; replaces glutamine 672 with a stop codon.
Molecular consequence: nonsense. On other transcripts: non-coding transcript variant (1).
Genome position (GRCh38, 1-based): chr17:44,207,710, G>A on the plus strand (C>T on the coding strand, the complement: UBTF is on the minus strand). VCF-style: chr17-44207710-G-A. GRCh37 (hg19) VCF-style: chr17-42285078-G-A.
Other names: c.1903C>T, p.Gln635Ter (NM_001076683.2, NM_001076684.3); short protein forms Q635*, Q672*.
Identifiers: ClinVar variation 504357 (VCV000504357.2), dbSNP rs1555577265, ClinGen allele CA399754697.